The following is an entry in ClinVar:

NM_001875.5(CPS1):c.622-78T>C

Gene: CPS1 (carbamoyl-phosphate synthase 1; plus strand). Cytogenetic location: 2q34.
Variant type: single nucleotide variant.
Coding change: c.622-78T>C on transcript NM_001875.5 (MANE Select); 78 bases into the intron before coding-DNA position 622, T replaced by C.
Molecular consequence: intron variant.
Genome position (GRCh38, 1-based): chr2:210,587,980, T>C. VCF-style: chr2-210587980-T-C. GRCh37 (hg19) VCF-style: chr2-211452704-T-C.
Other names: c.622-78T>C (NM_001369257.1, NM_001122633.3); c.655-78T>C (NM_001369256.1).
Identifiers: ClinVar variation 677069 (VCV000677069.2), dbSNP rs116468978, ClinGen allele CA64737589.

ClinVar aggregate classification (germline): Likely benign. Review status: criteria provided, multiple submitters, no conflicts (2 of 4 stars). 2 submissions from 2 submitters: Likely benign (2). Last evaluated 2018-06-19.

Allele frequency attached by ClinVar (database versions not stated): 1000 Genomes Project 30x 0.00703; 1000 Genomes Project 0.00719; TOPMed 0.01297; gnomAD 0.01437 and 0.01469; gnomAD exomes 0.02000.
gnomAD v4.1: 23,138 of 1,212,612 alleles (1.9%); highest among the groups gnomAD compares: Non-Finnish European, 2.4%; 297 homozygotes.

Submissions (2):

GeneDx
Classification: Likely benign. Last evaluated: 2018-06-19. Review status: criteria provided, single submitter. Criteria: GeneDx Variant Classification (06012015). Collection method: clinical testing. Allele origin: germline. Affected: yes.
Comment: This variant is considered likely benign or benign based on one or more of the following criteria: it is a conservative change, it occurs at a poorly conserved position in the protein, it is predicted to be benign by multiple in silico algorithms, and/or has population frequency not consistent with disease.

Breakthrough Genomics
Classification: Likely benign. Review status: criteria provided, single submitter. Criteria: ACMG Guidelines, 2015. Collection method: not provided. Allele origin: germline. Inheritance: Autosomal recessive inheritance. Affected: yes.